The following is an entry in ClinVar:

NM_000051.4(ATM):c.7864dup (p.Ala2622fs)

Genes: ATM (ATM serine/threonine kinase; plus strand), C11orf65 (chromosome 11 open reading frame 65; minus strand). Cytogenetic location: 11q22.3.
Variant type: Duplication.
Coding change: c.7864dup on transcript NM_000051.4 (MANE Select); coding-DNA position 7864, one base duplicated (G; older notation c.7864dupG).
Protein change: p.Ala2622fs; shifts the reading frame from alanine 2622.
Molecular consequence: frameshift variant. On other transcripts: intron variant (2).
Genome position (GRCh38, 1-based): chr11:108,332,837, G duplicated; the last of 2 consecutive G bases (chr11:108,332,836-108,332,837); duplicating either gives the same sequence. VCF-style (leftmost placement, unchanged base first): chr11-108332835-A-AG. GRCh37 (hg19) VCF-style: chr11-108203562-A-AG.
Other names: c.7864dup, p.Ala2622fs (NM_001351834.2); c.641-23765dup (NM_001330368.2); c.*38+2384dup (NM_001351110.2); c.7864dupG (NM_000051.3); short protein forms A2622fs.
Identifiers: ClinVar variation 3450604 (VCV003450604.2).
Genomic context (GRCh38, chr11:108,332,835, plus strand): 5'-CTGCAAATAGAATAATATGTACTATCAGAAGTAGGAGACCTCAGATGGTCAGAAGTGTTG[A>AG]GGCACTTTGTGATGCTTATATTATATTAGCAAACTTAGATGCCACTCAGTGGAAGACTCA-3'

ClinVar aggregate classification (germline): Pathogenic. Review status: criteria provided, multiple submitters, no conflicts (2 of 4 stars). 2 submissions from 2 submitters: Pathogenic (2). Last evaluated 2025-01-16.

Conditions:
Familial cancer of breast. Also called: BREAST CANCER, FAMILIAL; Hereditary breast cancer; hereditary breast carcinoma. Identifiers: Orphanet 227535, MedGen C0346153, MONDO:0016419, OMIM 114480. Disease mechanism: loss of function.
Hereditary cancer-predisposing syndrome. Also called: Tumor predisposition; Hereditary Cancer Syndrome; Neoplastic Syndromes, Hereditary; Hereditary neoplastic syndrome. Identifiers: Orphanet 140162, MedGen C0027672, MeSH D009386, MONDO:0015356.

Submissions (2):

Myriad Genetics, Inc.
Classification: Pathogenic for Familial cancer of breast. Last evaluated: 2025-01-16. Review status: criteria provided, single submitter. Criteria: Myriad Autosomal Dominant, Autosomal Recessive and X-Linked Classification Criteria (2023). Collection method: clinical testing. Allele origin: unknown.
Comment: This variant is considered pathogenic. This variant creates a frameshift predicted to result in premature protein truncation.

Ambry Genetics
Classification: Pathogenic for Hereditary cancer-predisposing syndrome. Last evaluated: 2024-08-29. Review status: criteria provided, single submitter. Criteria: Ambry Variant Classification Scheme 2023. Collection method: clinical testing. Allele origin: germline.
Comment: The c.7864dupG pathogenic mutation, located in coding exon 52 of the ATM gene, results from a duplication of G at nucleotide position 7864, causing a translational frameshift with a predicted alternate stop codon (p.A2622Gfs*4). This variant is considered to be rare based on population cohorts in the Genome Aggregation Database (gnomAD). This alteration is expected to result in loss of function by premature protein truncation or nonsense-mediated mRNA decay. As such, this alteration is interpreted as a disease-causing mutation.